The following is an entry in ClinVar:

ClinVar aggregate classification (germline): Likely benign. Review status: criteria provided, multiple submitters, no conflicts (2 of 4 stars). 2 submissions from 2 submitters: Likely benign (2). Last evaluated 2025-08-24.

Conditions:
Dilated cardiomyopathy 1G (CMD1G). Identifiers: Orphanet 154, MedGen C1858763, MONDO:0011400, OMIM 604145.
Autosomal recessive limb-girdle muscular dystrophy type 2J (LGMDR10). Also called: MUSCULAR DYSTROPHY, LIMB-GIRDLE, AUTOSOMAL RECESSIVE 10; Limb-girdle muscular dystrophy, type 2J. Identifiers: Orphanet 140922, MedGen C1837342, MONDO:0012127, OMIM 608807.

Allele frequency attached by ClinVar (database versions not stated): TOPMed 0.00001.
gnomAD v4.1: 4 of 1,601,712 alleles (0.00025%); highest among the groups gnomAD compares: African/African-American, 0.004%; no homozygotes.

Submissions (2):

Labcorp Genetics (formerly Invitae), Labcorp
Classification: Likely benign for Dilated cardiomyopathy 1G; Autosomal recessive limb-girdle muscular dystrophy type 2J. Last evaluated: 2025-08-24. Review status: criteria provided, single submitter. Criteria: Invitae Variant Classification Sherloc (09022015). Collection method: clinical testing. Allele origin: germline.

GeneDx
Classification: Likely benign. Last evaluated: 2018-03-27. Review status: criteria provided, single submitter. Criteria: GeneDx Variant Classification (06012015). Collection method: clinical testing. Allele origin: germline. Affected: yes.
Comment: This variant is considered likely benign or benign based on one or more of the following criteria: it is a conservative change, it occurs at a poorly conserved position in the protein, it is predicted to be benign by multiple in silico algorithms, and/or has population frequency not consistent with disease.

NM_001267550.2(TTN):c.11255-7A>G

Gene: TTN (titin; minus strand). Cytogenetic location: 2q31.2.
Variant type: single nucleotide variant.
Coding change: c.11255-7A>G on transcript NM_001267550.2 (MANE Select); 7 bases into the intron before coding-DNA position 11255, A replaced by G.
Molecular consequence: intron variant.
Genome position (GRCh38, 1-based): chr2:178,753,187, T>C on the plus strand (A>G on the coding strand, the complement: TTN is on the minus strand). VCF-style: chr2-178753187-T-C. GRCh37 (hg19) VCF-style: chr2-179617914-T-C.
Other names: c.10166-7A>G (NM_003319.4); c.10742-7A>G (NM_133437.4); c.10541-7A>G (NM_133432.3); c.10304-7A>G (NM_133378.4, NM_133379.5, NM_001256850.1).
Identifiers: ClinVar variation 681447 (VCV000681447.10), dbSNP rs1044422928, ClinGen allele CA60991999.
Genomic context (GRCh38, chr2:178,753,187, plus strand): 5'-TCATTTCCATCTCAATCTCTTGTTCAATCCTCTCATGCAAAATTGATTCAGGAGCTAAAA[T>C]AGAAAAACATATAAAGAGATTTTAGTGATTAATTGCATATATTTTCTGCATCAATTCATG-3'